The following is an entry in ClinVar:

ClinVar aggregate classification (germline): Uncertain significance (1 of 4 stars; one submission).

Allele frequency attached by ClinVar (database versions not stated): gnomAD 0.00003; TOPMed 0.00005; ExAC 0.00020.
gnomAD v4.1: 78 of 1,606,984 alleles (0.0049%); highest among the groups gnomAD compares: Admixed American, 0.042%; no homozygotes.

Submission:

Labcorp Genetics (formerly Invitae), Labcorp
Classification: Uncertain significance. Last evaluated: 2024-08-05. Review status: criteria provided, single submitter. Criteria: Invitae Variant Classification Sherloc (09022015). Collection method: clinical testing. Allele origin: germline.
Comment: This sequence change replaces arginine, which is basic and polar, with glutamine, which is neutral and polar, at codon 784 of the AXL protein (p.Arg784Gln). This variant is present in population databases (rs201956398, gnomAD 0.08%), and has an allele count higher than expected for a pathogenic variant. This variant has not been reported in the literature in individuals affected with AXL-related conditions. Advanced modeling of protein sequence and biophysical properties (such as structural, functional, and spatial information, amino acid conservation, physicochemical variation, residue mobility, and thermodynamic stability) performed at Invitae indicates that this missense variant is not expected to disrupt AXL protein function with a negative predictive value of 80%. In summary, the available evidence is currently insufficient to determine the role of this variant in disease. Therefore, it has been classified as a Variant of Uncertain Significance.

NM_021913.5(AXL):c.2351G>A (p.Arg784Gln)

Gene: AXL (AXL receptor tyrosine kinase; plus strand). Cytogenetic location: 19q13.2.
Variant type: single nucleotide variant.
Coding change: c.2351G>A on transcript NM_021913.5 (MANE Select); coding-DNA position 2351, G replaced by A.
Protein change: p.Arg784Gln; replaces arginine 784 with glutamine.
Molecular consequence: missense variant.
Genome position (GRCh38, 1-based): chr19:41,259,570, G>A. VCF-style: chr19-41259570-G-A. GRCh37 (hg19) VCF-style: chr19-41765475-G-A.
Other names: c.1547G>A, p.Arg516Gln (NM_001278599.2); c.2324G>A, p.Arg775Gln (NM_001699.6); short protein forms R775Q, R784Q, R516Q.
Identifiers: ClinVar variation 2898929 (VCV002898929.3), dbSNP rs201956398, ClinGen allele CA9458691.